The following is an entry in ClinVar:

NM_006915.3(RP2):c.196G>A (p.Asp66Asn)

Gene: RP2 (RP2 activator of ARL3 GTPase; plus strand). Cytogenetic location: Xp11.3.
Variant type: single nucleotide variant.
Coding change: c.196G>A on transcript NM_006915.3 (MANE Select); coding-DNA position 196, G replaced by A.
Protein change: p.Asp66Asn; replaces aspartic acid 66 with asparagine.
Molecular consequence: missense variant.
Genome position (GRCh38, 1-based): chrX:46,853,569, G>A. VCF-style: chrX-46853569-G-A. GRCh37 (hg19) VCF-style: chrX-46713004-G-A.
Other names: short protein forms D66N.
Identifiers: ClinVar variation 736466 (VCV000736466.11), dbSNP rs201714711, ClinGen allele CA10394191.
Genomic context (GRCh38, chrX:46,853,569, plus strand): 5'-AAGGATGAAACAGTAGGTCGCTTACCTGGGACGGTAGCAGGACAACAGTTTCTCATTCAA[G>A]ACTGTGAGAACTGTAACATCTATATTTTTGATCACTCTGCTACAGTTACCATTGATGACT-3'
Protein context (NP_008846.2, residues 56-76): TVAGQQFLIQ[Asp66Asn]CENCNIYIFD

ClinVar aggregate classification (germline): Benign/Likely benign. Review status: criteria provided, multiple submitters, no conflicts (2 of 4 stars). 3 submissions from 3 submitters: Benign (1); Likely benign (2). Last evaluated 2025-12-07.

Conditions:
RP2-related disorder. Also called: RP2-related condition.

Allele frequency attached by ClinVar (database versions not stated): TOPMed 0.00006; ESP Exome Variant Server 0.00009; gnomAD 0.00010 and 0.00012; gnomAD exomes 0.00016 and 0.00026; 1000 Genomes Project 30x 0.00021; 1000 Genomes Project 0.00026; ExAC 0.00033.
gnomAD v4.1: 185 of 1,208,582 alleles (0.015%); highest among the groups gnomAD compares: South Asian, 0.035%; no homozygotes.

Submissions (3):

Labcorp Genetics (formerly Invitae), Labcorp
Classification: Benign. Last evaluated: 2025-12-07. Review status: criteria provided, single submitter. Criteria: Invitae Variant Classification Sherloc (09022015). Collection method: clinical testing. Allele origin: germline.

PreventionGenetics, part of Exact Sciences
Classification: Likely benign for RP2-related condition. Last evaluated: 2025-08-14. Review status: criteria provided, single submitter. Criteria: ACMG Guidelines, 2015. Collection method: clinical testing. Allele origin: germline.
Comment: This variant is classified as likely benign based on ACMG/AMP sequence variant interpretation guidelines (Richards et al. 2015 PMID: 25741868, with internal and published modifications).

Blueprint Genetics
Classification: Likely benign. Last evaluated: 2024-11-22. Review status: criteria provided, single submitter. Criteria: ACMG Guidelines, 2015. Collection method: clinical testing. Allele origin: germline.